The following is an entry in ClinVar:

NM_006343.3(MERTK):c.362A>G (p.Asn121Ser)

Gene: MERTK (MER proto-oncogene, tyrosine kinase; plus strand). Cytogenetic location: 2q13.
Variant type: single nucleotide variant.
Coding change: c.362A>G on transcript NM_006343.3 (MANE Select); coding-DNA position 362, A replaced by G.
Protein change: p.Asn121Ser; replaces asparagine 121 with serine.
Molecular consequence: missense variant.
Genome position (GRCh38, 1-based): chr2:111,929,420, A>G. VCF-style: chr2-111929420-A-G. GRCh37 (hg19) VCF-style: chr2-112686997-A-G.
Other names: short protein forms N121S.
Identifiers: ClinVar variation 1044933 (VCV001044933.5), dbSNP rs772554501, ClinGen allele CA1831020.
Genomic context (GRCh38, chr2:111,929,420, plus strand): 5'-GACACATAATACTTTCTGAACATAAAGGTGTCAAATTTAATTGCTCAATCAGTGTACCTA[A>G]TATATACCAGGACACCACAATTTCTTGGTGGAAAGATGGGAAGGAATTGCTTGGGGCACA-3'
Protein context (NP_006334.2, residues 111-131): VKFNCSISVP[Asn121Ser]IYQDTTISWW

ClinVar aggregate classification (germline): Uncertain significance. Review status: criteria provided, multiple submitters, no conflicts (2 of 4 stars). 2 submissions from 2 submitters: Uncertain significance (2). Last evaluated 2024-11-20.

Allele frequency attached by ClinVar (database versions not stated): ExAC 0.00001; gnomAD 0.00001; gnomAD exomes 0.00001; TOPMed 0.00002.
gnomAD v4.1: 5 of 1,613,998 alleles (0.00031%); highest among the groups gnomAD compares: East Asian, 0.0022%; no homozygotes.

Submissions (2):

Blueprint Genetics
Classification: Uncertain significance. Last evaluated: 2024-11-20. Review status: criteria provided, single submitter. Criteria: ACMG Guidelines, 2015. Collection method: clinical testing. Allele origin: germline.

Labcorp Genetics (formerly Invitae), Labcorp
Classification: Uncertain significance. Last evaluated: 2022-09-13. Review status: criteria provided, single submitter. Criteria: Invitae Variant Classification Sherloc (09022015). Collection method: clinical testing. Allele origin: germline.
Comment: Algorithms developed to predict the effect of missense changes on protein structure and function output the following: SIFT: "Deleterious"; PolyPhen-2: "Benign"; Align-GVGD: "Class C45". The serine amino acid residue is found in multiple mammalian species, which suggests that this missense change does not adversely affect protein function. In summary, the available evidence is currently insufficient to determine the role of this variant in disease. Therefore, it has been classified as a Variant of Uncertain Significance. ClinVar contains an entry for this variant (Variation ID: 1044933). This variant has not been reported in the literature in individuals affected with MERTK-related conditions. This variant is present in population databases (rs772554501, gnomAD 0.02%). This sequence change replaces asparagine, which is neutral and polar, with serine, which is neutral and polar, at codon 121 of the MERTK protein (p.Asn121Ser).